The following is an entry in ClinVar:

NM_005902.4(SMAD3):c.260T>C (p.Ile87Thr)

Gene: SMAD3 (SMAD family member 3; plus strand). Cytogenetic location: 15q22.33.
Variant type: single nucleotide variant.
Coding change: c.260T>C on transcript NM_005902.4 (MANE Select); coding-DNA position 260, T replaced by C.
Protein change: p.Ile87Thr; replaces isoleucine 87 with threonine.
Molecular consequence: missense variant. On other transcripts: 5 prime UTR variant (1).
Genome position (GRCh38, 1-based): chr15:67,164,948, T>C. VCF-style: chr15-67164948-T-C. GRCh37 (hg19) VCF-style: chr15-67457286-T-C.
Other names: p.I87T:ATC>ACC; c.-56T>C (NM_001145102.2); c.128T>C, p.Ile43Thr (NM_001145103.2); short protein forms I87T, I43T.
Identifiers: ClinVar variation 213799 (VCV000213799.2), dbSNP rs863223764, ClinGen allele CA322718.

ClinVar aggregate classification (germline): Uncertain significance (1 of 4 stars; one submission).

Submission:

GeneDx
Classification: Uncertain significance. Last evaluated: 2014-10-20. Review status: criteria provided, single submitter. Criteria: GeneDx Variant Classification (06012015). Collection method: clinical testing. Allele origin: germline. Affected: yes.
Comment: p.Ile87Thr (ATC>ACC): c.260 T>C in exon 2 of the SMAD3 gene (NM_005902.3). A variant of unknown significance has been identified in the SMAD3 gene. The I87T variant has not been published as a mutation, nor has it been reported as a benign polymorphism to our knowledge. The I87T variant was not observed in approximately 6,500 individuals of European and African American ancestry in the NHLBI Exome Sequencing Project, indicating it is not a common benign variant in these populations. The I87T variant is a non-conservative amino acid substitution, which is likely to impact secondary protein structure as these residues differ in polarity, charge, size and/or other properties. Additionally, this substitution occurs at a position that is conserved across species and in silico analysis predicts this variant is probably damaging to the protein structure/function. However, missense mutations in nearby residues have not been reported, indicating this region of the protein may be tolerant of change. Therefore, based on the currently available information, it is unclear whether this variant is a pathogenic mutation or a rare benign variant. This variant was found in TAAD